The following is an entry in ClinVar:

NM_000246.4(CIITA):c.200-17G>A

Gene: CIITA (class II major histocompatibility complex transactivator; plus strand). Cytogenetic location: 16p13.13.
Variant type: single nucleotide variant.
Coding change: c.200-17G>A on transcript NM_000246.4 (MANE Select); 17 bases into the intron before coding-DNA position 200, G replaced by A.
Molecular consequence: intron variant.
Genome position (GRCh38, 1-based): chr16:10,895,652, G>A. VCF-style: chr16-10895652-G-A. GRCh37 (hg19) VCF-style: chr16-10989509-G-A.
Other names: c.200-17G>A (NM_001286402.1, NM_001379332.1, NM_001379330.1 and 3 more transcripts); c.128-17G>A (NM_001379334.1).
Identifiers: ClinVar variation 1495249 (VCV001495249.5), dbSNP rs2144298630, ClinGen allele CA2555772373.

ClinVar aggregate classification (germline): Uncertain significance (1 of 4 stars; one submission).

Conditions:
MHC class II deficiency. Also called: Bare lymphocyte syndrome 2; BLS, TYPE II. Identifiers: Orphanet 572, MedGen C5447452, MONDO:0008855.

Allele frequency attached by ClinVar (database versions not stated): gnomAD exomes below 0.00001.
gnomAD v4.1: 2 of 1,614,022 alleles (0.00012%); highest among the groups gnomAD compares: Non-Finnish European, 0.00017%; no homozygotes.

Submission:

Labcorp Genetics (formerly Invitae), Labcorp
Classification: Uncertain significance for MHC class II deficiency. Last evaluated: 2022-03-07. Review status: criteria provided, single submitter. Criteria: Invitae Variant Classification Sherloc (09022015). Collection method: clinical testing. Allele origin: germline.
Comment: This sequence change falls in intron 2 of the CIITA gene. It does not directly change the encoded amino acid sequence of the CIITA protein. This variant is not present in population databases (gnomAD no frequency). This variant has not been reported in the literature in individuals affected with CIITA-related conditions. Algorithms developed to predict the effect of sequence changes on RNA splicing suggest that this variant may create or strengthen a splice site. In summary, the available evidence is currently insufficient to determine the role of this variant in disease. Therefore, it has been classified as a Variant of Uncertain Significance.